The following is an entry in ClinVar:

NM_002184.4(IL6ST):c.613G>T (p.Gly205Trp)

Gene: IL6ST (interleukin 6 cytokine family signal transducer; minus strand). Cytogenetic location: 5q11.2.
Variant type: single nucleotide variant.
Coding change: c.613G>T on transcript NM_002184.4 (MANE Select); coding-DNA position 613, G replaced by T.
Protein change: p.Gly205Trp; replaces glycine 205 with tryptophan.
Molecular consequence: missense variant. On other transcripts: 5 prime UTR variant (3), non-coding transcript variant (2).
Genome position (GRCh38, 1-based): chr5:55,964,191, C>A on the plus strand (G>T on the coding strand, the complement: IL6ST is on the minus strand). VCF-style: chr5-55964191-C-A. GRCh37 (hg19) VCF-style: chr5-55260019-C-A.
Other names: c.613G>T, p.Gly205Trp (NM_001190981.2, NM_001364275.2, NM_175767.3); c.403G>T, p.Gly135Trp (NM_001364276.2); c.-301G>T (NM_001364277.2, NM_001364279.2); c.-291G>T (NM_001364278.2); short protein forms G135W, G205W.
Identifiers: ClinVar variation 1516960 (VCV001516960.6), dbSNP rs2111773725, ClinGen allele CA359766953.

ClinVar aggregate classification (germline): Uncertain significance (1 of 4 stars; one submission).

Submission:

Labcorp Genetics (formerly Invitae), Labcorp
Classification: Uncertain significance. Last evaluated: 2021-09-02. Review status: criteria provided, single submitter. Criteria: Invitae Variant Classification Sherloc (09022015). Collection method: clinical testing. Allele origin: germline.
Comment: In summary, the available evidence is currently insufficient to determine the role of this variant in disease. Therefore, it has been classified as a Variant of Uncertain Significance. Algorithms developed to predict the effect of missense changes on protein structure and function (SIFT, PolyPhen-2, Align-GVGD) all suggest that this variant is likely to be disruptive. This variant has not been reported in the literature in individuals affected with IL6ST-related conditions. This variant is not present in population databases (ExAC no frequency). This sequence change replaces glycine with tryptophan at codon 205 of the IL6ST protein (p.Gly205Trp). The glycine residue is highly conserved and there is a large physicochemical difference between glycine and tryptophan.